The following is an entry in ClinVar:

NM_005560.6(LAMA5):c.2243C>T (p.Ala748Val)

Gene: LAMA5 (laminin subunit alpha 5; minus strand). Cytogenetic location: 20q13.33.
Variant type: single nucleotide variant.
Coding change: c.2243C>T on transcript NM_005560.6 (MANE Select); coding-DNA position 2243, C replaced by T.
Protein change: p.Ala748Val; replaces alanine 748 with valine.
Molecular consequence: missense variant.
Genome position (GRCh38, 1-based): chr20:62,336,420, G>A on the plus strand (C>T on the coding strand, the complement: LAMA5 is on the minus strand). VCF-style: chr20-62336420-G-A. GRCh37 (hg19) VCF-style: chr20-60911476-G-A.
Other names: short protein forms A748V.
Identifiers: ClinVar variation 2040250 (VCV002040250.4), dbSNP rs2516144618, ClinGen allele CA409570609.

ClinVar aggregate classification (germline): Uncertain significance (1 of 4 stars; one submission).

Submission:

Labcorp Genetics (formerly Invitae), Labcorp
Classification: Uncertain significance. Last evaluated: 2025-05-12. Review status: criteria provided, single submitter. Criteria: Invitae Variant Classification Sherloc (09022015). Collection method: clinical testing. Allele origin: germline.
Comment: This sequence change replaces alanine, which is neutral and non-polar, with valine, which is neutral and non-polar, at codon 748 of the LAMA5 protein (p.Ala748Val). This variant is not present in population databases (gnomAD no frequency). This variant has not been reported in the literature in individuals affected with LAMA5-related conditions. ClinVar contains an entry for this variant (Variation ID: 2040250). An algorithm developed to predict the effect of missense changes on protein structure and function (PolyPhen-2) suggests that this variant is likely to be disruptive. In summary, the available evidence is currently insufficient to determine the role of this variant in disease. Therefore, it has been classified as a Variant of Uncertain Significance.